The following is an entry in ClinVar:

NM_000245.4(MET):c.*376G>T

Gene: MET (MET proto-oncogene, receptor tyrosine kinase; plus strand). Cytogenetic location: 7q31.2.
Variant type: single nucleotide variant.
Coding change: c.*376G>T on transcript NM_000245.4 (MANE Select); 376 bases downstream of the stop codon, G replaced by T.
Molecular consequence: 3 prime UTR variant.
Genome position (GRCh38, 1-based): chr7:116,796,500, G>T. VCF-style: chr7-116796500-G-T. GRCh37 (hg19) VCF-style: chr7-116436554-G-T.
Other names: c.*376G>T (NM_001127500.3, NM_001324402.2).
Identifiers: ClinVar variation 910015 (VCV000910015.4), dbSNP rs553602374, ClinGen allele CA165451090.

ClinVar aggregate classification (germline): Benign (1 of 4 stars; one submission).

Conditions:
Papillary renal cell carcinoma type 1 (RCCP1). Also called: RENAL CELL CARCINOMA, PAPILLARY, 1, SOMATIC; Renal adenocarcinoma; Renal cell carcinoma 1; Renal cell carcinoma, somatic. Identifiers: Orphanet 47044, MedGen C1336839, OMIM 605074, HP:0011797.

Allele frequency attached by ClinVar (database versions not stated): gnomAD below 0.00001 and 0.00025; TOPMed 0.00002; 1000 Genomes Project 0.00100; 1000 Genomes Project 30x 0.00109.
gnomAD v4.1: 260 of 395,404 alleles (0.066%); highest among the groups gnomAD compares: South Asian, 0.79%; 1 homozygote.

Submission:

Illumina Laboratory Services, Illumina
Classification: Benign for Papillary renal cell carcinoma type 1. Last evaluated: 2018-01-13. Review status: criteria provided, single submitter. Criteria: ICSL Variant Classification Criteria 13 December 2019. Collection method: clinical testing. Allele origin: germline.
Comment: This variant was observed in the ICSL laboratory as part of a predisposition screen in an ostensibly healthy population. It had not been previously curated by ICSL or reported in the Human Gene Mutation Database (HGMD: prior to June 1st, 2018), and was therefore a candidate for classification through an automated scoring system. Utilizing variant allele frequency, disease prevalence and penetrance estimates, and inheritance mode, an automated score was calculated to assess if this variant is too frequent to cause the disease. Based on the score and internal cut-off values, a variant classified as benign is not then subjected to further curation. The score for this variant resulted in a classification of benign for this disease.